The following is an entry in ClinVar:

ClinVar aggregate classification (germline): Likely benign (1 of 4 stars; one submission).

gnomAD v4.1: 44 of 1,613,888 alleles (0.0027%); highest among the groups gnomAD compares: Admixed American, 0.045%; no homozygotes.

Submission:

CeGaT Center for Human Genetics Tuebingen
Classification: Likely benign. Last evaluated: 2026-06-01. Review status: criteria provided, single submitter. Criteria: CeGaT Center For Human Genetics Tuebingen Variant Classification Criteria Version 2. Collection method: clinical testing. Allele origin: germline. Affected: yes. Observed: 1 variant allele.
Comment: PRKAR1B: BP4, BP7

NM_001164760.2(PRKAR1B):c.528C>G (p.Val176=)

Genes: PRKAR1B (protein kinase cAMP-dependent type I regulatory subunit beta; minus strand), PRKAR1B-AS1 (PRKAR1B antisense RNA 1; plus strand). Cytogenetic location: 7p22.3.
Variant type: single nucleotide variant.
Coding change: c.528C>G on transcript NM_001164760.2 (MANE Select); coding-DNA position 528, C replaced by G.
Protein change: p.Val176=; no amino-acid change (valine 176 retained).
Molecular consequence: synonymous variant.
Genome position (GRCh38, 1-based): chr7:606,214, G>C on the plus strand (C>G on the coding strand, the complement: PRKAR1B is on the minus strand). VCF-style: chr7-606214-G-C. GRCh37 (hg19) VCF-style: chr7-645851-G-C.
Other names: c.528C>G, p.Val176= (NM_001164761.2, NM_001164762.2, NM_002735.3 and 2 more transcripts).
Identifiers: ClinVar variation 4874037 (VCV004874037.2).